The following is an entry in ClinVar:

ClinVar aggregate classification (germline): Uncertain significance (1 of 4 stars; one submission).

Conditions:
Hereditary cancer-predisposing syndrome. Also called: Tumor predisposition; Hereditary Cancer Syndrome; Neoplastic Syndromes, Hereditary; Hereditary neoplastic syndrome. Identifiers: Orphanet 140162, MedGen C0027672, MeSH D009386, MONDO:0015356.

Submission:

Ambry Genetics
Classification: Uncertain significance for Hereditary cancer-predisposing syndrome. Last evaluated: 2021-02-16. Review status: criteria provided, single submitter. Criteria: Ambry Variant Classification Scheme 2023. Collection method: clinical testing. Allele origin: germline.
Comment: The p.D911G variant (also known as c.2732A>G), located in coding exon 17 of the PTCH1 gene, results from an A to G substitution at nucleotide position 2732. The aspartic acid at codon 911 is replaced by glycine, an amino acid with similar properties. This amino acid position is not well conserved in available vertebrate species. In addition, the in silico prediction for this alteration is inconclusive. Since supporting evidence is limited at this time, the clinical significance of this alteration remains unclear.

NM_000264.5(PTCH1):c.2732A>G (p.Asp911Gly)

Gene: PTCH1 (patched 1; minus strand). Cytogenetic location: 9q22.32.
Variant type: single nucleotide variant.
Coding change: c.2732A>G on transcript NM_000264.5 (MANE Select); coding-DNA position 2732, A replaced by G.
Protein change: p.Asp911Gly; replaces aspartic acid 911 with glycine.
Molecular consequence: missense variant. On other transcripts: non-coding transcript variant (1).
Genome position (GRCh38, 1-based): chr9:95,459,755, T>C on the plus strand (A>G on the coding strand, the complement: PTCH1 is on the minus strand). VCF-style: chr9-95459755-T-C. GRCh37 (hg19) VCF-style: chr9-98222037-T-C.
Other names: c.2534A>G, p.Asp845Gly (NM_001083602.3); c.2729A>G, p.Asp910Gly (NM_001083603.3); c.2279A>G, p.Asp760Gly (NM_001083604.3, NM_001083605.3, NM_001083606.3 and 1 more transcripts); c.2576A>G, p.Asp859Gly (NM_001354918.2); short protein forms D760G, D845G, D859G, D910G, D911G.
Identifiers: ClinVar variation 1795304 (VCV001795304.2), dbSNP rs1839297206, ClinGen allele CA374113203.